The following is an entry in ClinVar:

ClinVar aggregate classification (germline): Uncertain significance. Review status: criteria provided, multiple submitters, no conflicts (2 of 4 stars). 3 submissions from 3 submitters: Uncertain significance (3). Last evaluated 2024-12-14.

Conditions:
Epsilon-trimethyllysine hydroxylase deficiency. Also called: Autism, susceptibility to, X-linked 6. Identifiers: MedGen C3550875, MONDO:0010469, OMIM 300872.

Allele frequency attached by ClinVar (database versions not stated): TOPMed 0.00001.

Submissions (3):

Dasa
Classification: Uncertain significance. Last evaluated: 2024-12-14. Review status: criteria provided, single submitter. Criteria: DASA Assertion Criteria. Collection method: clinical testing. Allele origin: germline.
Comment: NM_018196.4(TMLHE):c.158G>A (p.Trp53*) is a nonsense variant in TMLHE predicted to introduce a premature termination codon and is predicted to result in an absent or altered protein product. This variant is absent from population databases. The currently available literature and clinical evidence are not sufficient to establish a definitive association between this variant and the reported condition. Therefore, this variant is classified as a variant of uncertain significance.

Laboratorio de Genetica e Diagnostico Molecular, Hospital Israelita Albert Einstein
Classification: Uncertain significance for Epsilon-trimethyllysine hydroxylase deficiency. Last evaluated: 2023-09-19. Review status: criteria provided, single submitter. Criteria: ACMG Guidelines, 2015. Collection method: clinical testing. Allele origin: germline. Affected: yes.
Comment: ACMG classification criteria: PVS1 moderate, PM2 moderate

Mendelics
Classification: Uncertain significance. Last evaluated: 2022-05-04. Review status: criteria provided, single submitter. Criteria: Mendelics Assertion Criteria 2019. Collection method: clinical testing. Allele origin: germline.

NM_018196.4(TMLHE):c.158G>A (p.Trp53Ter)

Gene: TMLHE (trimethyllysine hydroxylase, epsilon; minus strand). Cytogenetic location: Xq28.
Variant type: single nucleotide variant.
Coding change: c.158G>A on transcript NM_018196.4 (MANE Select); coding-DNA position 158, G replaced by A.
Protein change: p.Trp53Ter; replaces tryptophan 53 with a stop codon.
Molecular consequence: nonsense.
Genome position (GRCh38, 1-based): chrX:155,545,119, C>T on the plus strand (G>A on the coding strand, the complement: TMLHE is on the minus strand). VCF-style: chrX-155545119-C-T. GRCh37 (hg19) VCF-style: chrX-154774780-C-T.
Other names: c.158G>A, p.Trp53Ter (NM_001184797.2); short protein forms W53*.
Identifiers: ClinVar variation 1685178 (VCV001685178.4), dbSNP rs1295722407, ClinGen allele CA414938946.